The following is an entry in ClinVar:

ClinVar aggregate classification (germline): Uncertain significance (1 of 4 stars; one submission).

Conditions:
Immunodeficiency 23 (IMD23). Also called: IMMUNODEFICIENCY WITH HYPER IgE AND COGNITIVE IMPAIRMENT; IMMUNODEFICIENCY-VASCULITIS-MYOCLONUS SYNDROME. Identifiers: Orphanet 443811, MedGen C4014371, MONDO:0014353, OMIM 615816.

gnomAD v4.1: 11 of 1,613,226 alleles (0.00068%); highest among the groups gnomAD compares: Admixed American, 0.012%; no homozygotes.

Submission:

Labcorp Genetics (formerly Invitae), Labcorp
Classification: Uncertain significance for Immunodeficiency 23. Last evaluated: 2022-09-13. Review status: criteria provided, single submitter. Criteria: Invitae Variant Classification Sherloc (09022015). Collection method: clinical testing. Allele origin: germline.
Comment: This sequence change replaces leucine, which is neutral and non-polar, with phenylalanine, which is neutral and non-polar, at codon 471 of the PGM3 protein (p.Leu471Phe). This variant is present in population databases (rs141509908, gnomAD 0.02%). This variant has not been reported in the literature in individuals affected with PGM3-related conditions. ClinVar contains an entry for this variant (Variation ID: 640594). Algorithms developed to predict the effect of missense changes on protein structure and function (SIFT, PolyPhen-2, Align-GVGD) all suggest that this variant is likely to be tolerated. In summary, the available evidence is currently insufficient to determine the role of this variant in disease. Therefore, it has been classified as a Variant of Uncertain Significance.

NM_015599.3(PGM3):c.1327C>T (p.Leu443Phe)

Gene: PGM3 (phosphoglucomutase 3; minus strand). Cytogenetic location: 6q14.1.
Variant type: single nucleotide variant.
Coding change: c.1327C>T on transcript NM_015599.3 (MANE Select); coding-DNA position 1327, C replaced by T.
Protein change: p.Leu443Phe; replaces leucine 443 with phenylalanine.
Molecular consequence: missense variant. On other transcripts: non-coding transcript variant (1), intron variant (1).
Genome position (GRCh38, 1-based): chr6:83,171,975, G>A on the plus strand (C>T on the coding strand, the complement: PGM3 is on the minus strand). VCF-style: chr6-83171975-G-A. GRCh37 (hg19) VCF-style: chr6-83881694-G-A.
Other names: c.1411C>T, p.Leu471Phe (NM_001199917.2, NM_001367287.1); c.1084C>T, p.Leu362Phe (NM_001199918.2); c.1327C>T, p.Leu443Phe (NM_001199919.2); c.1243-1497C>T (NM_001367286.1); short protein forms L443F, L362F, L471F.
Identifiers: ClinVar variation 640594 (VCV000640594.6), dbSNP rs141509908, ClinGen allele CA3906550.
Genomic context (GRCh38, chr6:83,171,975, plus strand): 5'-TACTTTAAAGTTTCTCTCACACCTGAACTTTAAGTTGTCTGTTTGGAAGATCTGTATAGA[G>A]AGCATCCCACTGTTGTACAGTCAAGCCCTTCAGAGCCAAGATTGCTTCAATCACCAGCAT-3'
Protein context (NP_056414.1, residues 433-453): KGLTVQQWDA[Leu443Phe]YTDLPNRQLK